The following is an entry in ClinVar:

ClinVar aggregate classification (germline): Benign/Likely benign. Review status: criteria provided, multiple submitters, no conflicts (2 of 4 stars). 8 submissions from 8 submitters: Benign (7); Likely benign (1). Last evaluated 2026-02-04.

Conditions:
Combined immunodeficiency due to OX40 deficiency. Also called: OX40 DEFICIENCY; Immunodeficiency 16. Identifiers: Orphanet 431149, MedGen C3810053, MONDO:0014268, OMIM 615593.

Allele frequency attached by ClinVar (database versions not stated): ESP Exome Variant Server 0.26422; gnomAD exomes 0.26687 and 0.36712; gnomAD 0.30283 and 0.31817; TOPMed 0.33221; ExAC 0.37506; 1000 Genomes Project 30x 0.49079; 1000 Genomes Project 0.49840.

Submissions (8):

Labcorp Genetics (formerly Invitae), Labcorp
Classification: Benign for Combined immunodeficiency due to OX40 deficiency. Last evaluated: 2026-02-04. Review status: criteria provided, single submitter. Criteria: Invitae Variant Classification Sherloc (09022015). Collection method: clinical testing. Allele origin: germline.

Women's Health and Genetics/Laboratory Corporation of America, LabCorp
Classification: Benign. Last evaluated: 2026-01-21. Review status: criteria provided, single submitter. Criteria: LabCorp Variant Classification Summary - May 2015. Collection method: clinical testing. Allele origin: germline.

Blueprint Genetics
Classification: Likely benign. Last evaluated: 2024-11-26. Review status: criteria provided, single submitter. Criteria: ACMG Guidelines, 2015. Collection method: clinical testing. Allele origin: germline.

Genome-Nilou Lab
Classification: Benign for Combined immunodeficiency due to OX40 deficiency. Last evaluated: 2021-07-14. Review status: criteria provided, single submitter. Criteria: ACMG Guidelines, 2015. Collection method: clinical testing. Allele origin: germline. Affected: no.

GeneDx
Classification: Benign. Last evaluated: 2018-11-12. Review status: criteria provided, single submitter. Criteria: GeneDx Variant Classification Process June 2021. Collection method: clinical testing. Allele origin: germline. Affected: yes.

Mayo Clinic Laboratories, Mayo Clinic
Classification: Benign. Last evaluated: 2018-03-23. Review status: criteria provided, single submitter. Criteria: ACMG Guidelines, 2015. Collection method: clinical testing. Allele origin: germline. Observed: 49 variant alleles.

Laboratory for Molecular Medicine, Mass General Brigham Personalized Medicine
Classification: Benign. Last evaluated: 2016-03-28. Review status: criteria provided, single submitter. Criteria: LMM Criteria. Collection method: clinical testing. Allele origin: germline.
Comment: Variant identified in a genome or exome case(s) and assessed due to predicted null impact of the variant or pathogenic assertions in the literature or databases. Disclaimer: This variant has not undergone full assessment. The following are preliminary notes: Frequency

Breakthrough Genomics
Classification: Benign. Review status: criteria provided, single submitter. Criteria: ACMG Guidelines, 2015. Collection method: not provided. Allele origin: germline. Inheritance: Autosomal recessive inheritance. Affected: yes.

NM_003327.4(TNFRSF4):c.534G>A (p.Glu178=)

Gene: TNFRSF4 (TNF receptor superfamily member 4; minus strand). Cytogenetic location: 1p36.33.
Variant type: single nucleotide variant.
Coding change: c.534G>A on transcript NM_003327.4 (MANE Select); coding-DNA position 534, G replaced by A.
Protein change: p.Glu178=; no amino-acid change (glutamic acid 178 retained).
Molecular consequence: synonymous variant.
Genome position (GRCh38, 1-based): chr1:1,212,042, C>T on the plus strand (G>A on the coding strand, the complement: TNFRSF4 is on the minus strand). VCF-style: chr1-1212042-C-T. GRCh37 (hg19) VCF-style: chr1-1147422-C-T.
Other names: p.Glu178=.
Identifiers: ClinVar variation 403556 (VCV000403556.23), dbSNP rs17568, ClinGen allele CA512425.